The following is an entry in ClinVar:

NC_000008.11:g.(?_99096292)_(99156763_?)del

Gene: VPS13B (vacuolar protein sorting 13 homolog B; plus strand). Cytogenetic location: 8q22.2.
Variant type: Deletion.
Identifiers: ClinVar variation 583868 (VCV000583868.1).

ClinVar aggregate classification (germline): Uncertain significance (1 of 4 stars; one submission).

Conditions:
Cohen syndrome (COH1). Also called: PEPPER SYNDROME; Cutis verticis gyrata, retinitis pigmentosa, and sensorineural deafness. Identifiers: Orphanet 193, MedGen C0265223, MONDO:0008999, OMIM 216550.

Submission:

Labcorp Genetics (formerly Invitae), Labcorp
Classification: Uncertain significance for Cohen syndrome. Last evaluated: 2018-03-30. Review status: criteria provided, single submitter. Criteria: Invitae Variant Classification Sherloc (09022015). Collection method: clinical testing. Allele origin: germline.
Comment: This variant is an in-frame deletion of the genomic region encompassing exons 4-15 of the VPS13B gene. It preserves the integrity of the reading frame. Deletion of exons 4-15Â¬â€ has not been reported in the literature in individuals with VPS13B-related disease. Experimental studies and prediction algorithms are not available for this variant, and the functional significance of this deletion is currently unknown. In summary, the available evidence is currently insufficient to determine the role of this variant in disease. Therefore, it has been classified as a Variant of Uncertain Significance.